The following is an entry in ClinVar:

NM_001267550.2(TTN):c.8968G>A (p.Val2990Met)

Gene: TTN (titin; minus strand). Cytogenetic location: 2q31.2.
Variant type: single nucleotide variant.
Coding change: c.8968G>A on transcript NM_001267550.2 (MANE Select); coding-DNA position 8968, G replaced by A.
Protein change: p.Val2990Met; replaces valine 2990 with methionine.
Molecular consequence: missense variant.
Genome position (GRCh38, 1-based): chr2:178,768,868, C>T on the plus strand (G>A on the coding strand, the complement: TTN is on the minus strand). VCF-style: chr2-178768868-C-T. GRCh37 (hg19) VCF-style: chr2-179633595-C-T.
Other names: c.8968G>A, p.Val2990Met (NM_001256850.1, NM_133378.4, NM_133379.5); c.8830G>A, p.Val2944Met (NM_003319.4, NM_133432.3, NM_133437.4); short protein forms V2944M, V2990M.
Identifiers: ClinVar variation 3894718 (VCV003894718.2), dbSNP rs746946974.

ClinVar aggregate classification (germline): Conflicting classifications of pathogenicity. Review status: criteria provided, conflicting classifications (1 of 4 stars). 2 submissions from 2 submitters: Uncertain significance (1); Likely benign (1). Last evaluated 2026-03-06.

Conditions:
TTN-related disorder. Also called: TTN-related condition; TTN-related disease; TTN-related disorders.

gnomAD v4.1: 5 of 1,614,004 alleles (0.00031%); highest among the groups gnomAD compares: Non-Finnish European, 0.00042%; no homozygotes.

Submissions (2):

PreventionGenetics, part of Exact Sciences
Classification: Uncertain significance for TTN-related condition. Last evaluated: 2026-03-06. Review status: criteria provided, single submitter. Criteria: ACMG Guidelines, 2015. Collection method: clinical testing. Allele origin: germline.
Comment: The TTN c.8968G>A variant is predicted to result in the amino acid substitution p.Val2990Met. To our knowledge, this variant has not been reported in the literature. This variant is reported in 0.0044% of alleles in individuals of European (Non-Finnish) descent in gnomAD. At this time, the clinical significance of this variant is uncertain due to the absence of conclusive functional and genetic evidence.

Molecular Diagnostic Laboratory for Inherited Cardiovascular Disease, Montreal Heart Institute
Classification: Likely benign. Last evaluated: 2025-04-09. Review status: criteria provided, single submitter. Criteria: ACMG Guidelines, 2015. Collection method: clinical testing. Allele origin: germline. Affected: no.